The following is an entry in ClinVar:

ClinVar aggregate classification (germline): Likely benign (0 of 4 stars; one submission).

Conditions:
KCNQ1-related disorder. Also called: KCNQ1-related disorders; KCNQ1-related condition. Identifiers: MedGen CN239322.

Submission:

PreventionGenetics, part of Exact Sciences
Classification: Likely benign for KCNQ1-related condition. Last evaluated: 2023-09-14. Review status: no assertion criteria provided. Collection method: clinical testing. Allele origin: germline.
Comment: This variant is classified as likely benign based on ACMG/AMP sequence variant interpretation guidelines (Richards et al. 2015 PMID: 25741868, with internal and published modifications).

NM_000218.3(KCNQ1):c.1514+17668G>C

Genes: KCNQ1 (potassium voltage-gated channel subfamily Q member 1; plus strand), KCNQ1OT1 (KCNQ1 opposite strand/antisense transcript 1; minus strand). Cytogenetic location: 11p15.5.
Variant type: single nucleotide variant.
Coding change: c.1514+17668G>C on transcript NM_000218.3 (MANE Select); 17668 bases into the intron after coding-DNA position 1514, G replaced by C.
Molecular consequence: intron variant. On other transcripts: non-coding transcript variant (1).
Genome position (GRCh38, 1-based): chr11:2,679,749, G>C. VCF-style: chr11-2679749-G-C. GRCh37 (hg19) VCF-style: chr11-2700979-G-C.
Other names: c.1244+17668G>C (NM_001406837.1); c.1418+17668G>C (NM_001406836.1); c.974+17668G>C (NM_001406838.1); c.1133+17668G>C (NM_181798.2).
Identifiers: ClinVar variation 3052740 (VCV003052740.2), dbSNP rs2493920523, ClinGen allele CA472822167.